The following is an entry in ClinVar:

ClinVar aggregate classification (germline): Likely pathogenic (1 of 4 stars; one submission).

Conditions:
Niemann-Pick disease, type C1. Also called: NIEMANN-PICK DISEASE, VARIANT TYPE C1; NEUROVISCERAL STORAGE DISEASE WITH VERTICAL SUPRANUCLEAR OPHTHALMOPLEGIA; NIEMANN-PICK DISEASE WITH CHOLESTEROL ESTERIFICATION BLOCK; NIEMANN-PICK DISEASE WITHOUT SPHINGOMYELINASE DEFICIENCY; NIEMANN-PICK DISEASE, CHRONIC NEURONOPATHIC FORM. Identifiers: Orphanet 646, MedGen C3179455, MONDO:0009757, OMIM 257220.

gnomAD v4.1: 1 of 1,614,048 alleles (0.000062%); highest among the groups gnomAD compares: Non-Finnish European, 0.000085%; no homozygotes.

Submission:

Labcorp Genetics (formerly Invitae), Labcorp
Classification: Likely pathogenic for Niemann-Pick disease, type C1. Last evaluated: 2021-11-11. Review status: criteria provided, single submitter. Criteria: Invitae Variant Classification Sherloc (09022015). Collection method: clinical testing. Allele origin: germline.
Comment: This sequence change replaces arginine, which is basic and polar, with leucine, which is neutral and non-polar, at codon 389 of the NPC1 protein (p.Arg389Leu). This variant is not present in population databases (gnomAD no frequency). This missense change has been observed in individual(s) with Niemann-Pick disease type C (PMID: 19252935, 32138288). Advanced modeling of protein sequence and biophysical properties (such as structural, functional, and spatial information, amino acid conservation, physicochemical variation, residue mobility, and thermodynamic stability) performed at Invitae indicates that this missense variant is expected to disrupt NPC1 protein function. This variant disrupts the p.Arg389 amino acid residue in NPC1. Other variant(s) that disrupt this residue have been determined to be pathogenic (PMID: 12955717; Invitae). This suggests that this residue is clinically significant, and that variants that disrupt this residue are likely to be disease-causing. In summary, the currently available evidence indicates that the variant is pathogenic, but additional data are needed to prove that conclusively. Therefore, this variant has been classified as Likely Pathogenic.

Literature cited by the submitters: PubMed 19252935; PubMed 32138288; PubMed 12955717.

NM_000271.5(NPC1):c.1166G>T (p.Arg389Leu)

Gene: NPC1 (NPC intracellular cholesterol transporter 1; minus strand). Cytogenetic location: 18q11.2.
Variant type: single nucleotide variant.
Coding change: c.1166G>T on transcript NM_000271.5 (MANE Select); coding-DNA position 1166, G replaced by T.
Protein change: p.Arg389Leu; replaces arginine 389 with leucine.
Molecular consequence: missense variant.
Genome position (GRCh38, 1-based): chr18:23,556,403, C>A on the plus strand (G>T on the coding strand, the complement: NPC1 is on the minus strand). VCF-style: chr18-23556403-C-A. GRCh37 (hg19) VCF-style: chr18-21136367-C-A.
Other names: short protein forms R389L.
Identifiers: ClinVar variation 1494714 (VCV001494714.6), dbSNP rs373751051, ClinGen allele CA401777941.